The following is an entry in ClinVar:

NM_021075.4(NDUFV3):c.170-3C>T

Gene: NDUFV3 (NADH:ubiquinone oxidoreductase subunit V3; plus strand). Cytogenetic location: 21q22.3.
Variant type: single nucleotide variant.
Coding change: c.170-3C>T on transcript NM_021075.4 (MANE Select); 3 bases into the intron before coding-DNA position 170, C replaced by T.
Molecular consequence: intron variant.
Genome position (GRCh38, 1-based): chr21:42,903,179, C>T. VCF-style: chr21-42903179-C-T. GRCh37 (hg19) VCF-style: chr21-44323289-C-T.
Other names: c.170-5685C>T (NM_001001503.2).
Identifiers: ClinVar variation 3046021 (VCV003046021.2), dbSNP rs375931941, ClinGen allele CA10046437.

ClinVar aggregate classification (germline): Likely benign (0 of 4 stars; one submission).

Conditions:
NDUFV3-related disorder. Also called: NDUFV3-related condition.

Allele frequency attached by ClinVar (database versions not stated): TOPMed 0.00004; gnomAD 0.00009; gnomAD exomes 0.00012; 1000 Genomes Project 30x 0.00031; ExAC 0.00031; 1000 Genomes Project 0.00040.
gnomAD v4.1: 219 of 1,614,064 alleles (0.014%); highest among the groups gnomAD compares: South Asian, 0.19%; 2 homozygotes.

Submission:

PreventionGenetics, part of Exact Sciences
Classification: Likely benign for NDUFV3-related condition. Last evaluated: 2019-02-19. Review status: no assertion criteria provided. Collection method: clinical testing. Allele origin: germline.
Comment: This variant is classified as likely benign based on ACMG/AMP sequence variant interpretation guidelines (Richards et al. 2015 PMID: 25741868, with internal and published modifications).